The following is an entry in ClinVar:

NM_001134407.3(GRIN2A):c.2416G>C (p.Glu806Gln)

Gene: GRIN2A (glutamate ionotropic receptor NMDA type subunit 2A; minus strand). Cytogenetic location: 16p13.2.
Variant type: single nucleotide variant.
Coding change: c.2416G>C on transcript NM_001134407.3 (MANE Select); coding-DNA position 2416, G replaced by C.
Protein change: p.Glu806Gln; replaces glutamic acid 806 with glutamine.
Molecular consequence: missense variant.
Genome position (GRCh38, 1-based): chr16:9,769,030, C>G on the plus strand (G>C on the coding strand, the complement: GRIN2A is on the minus strand). VCF-style: chr16-9769030-C-G. GRCh37 (hg19) VCF-style: chr16-9862887-C-G.
Other names: c.2416G>C, p.Glu806Gln (NM_000833.5, NM_001134408.2); short protein forms E806Q.
Identifiers: ClinVar variation 2810778 (VCV002810778.3), dbSNP rs868222927, ClinGen allele CA394710191.
Genomic context (GRCh38, chr16:9,769,030, plus strand): 5'-CAGCCAGCATGTAGAATACGCCCGCCATGTTGTCAATGTCCAGCTGGCTGCTCATCACCT[C>G]GTTCTTCTCGTTGTGGCAGATCCCAGTGAGCCACAGGGTCTCCAGCTCCTCCATCTCACC-3'
Protein context (NP_001127879.1, residues 796-816): LTGICHNEKN[Glu806Gln]VMSSQLDIDN

ClinVar aggregate classification (germline): Uncertain significance (1 of 4 stars; one submission).

Conditions:
Landau-Kleffner syndrome (FESD). Also called: EPILEPSY, FOCAL, WITH SPEECH DISORDER AND WITH OR WITHOUT MENTAL RETARDATION; APHASIA, ACQUIRED, WITH EPILEPSY. Identifiers: Orphanet 1945, Orphanet 725, Orphanet 98818, MedGen C0282512, MONDO:0009509, OMIM 245570.

Submission:

Labcorp Genetics (formerly Invitae), Labcorp
Classification: Uncertain significance for Landau-Kleffner syndrome. Last evaluated: 2024-01-31. Review status: criteria provided, single submitter. Criteria: Invitae Variant Classification Sherloc (09022015). Collection method: clinical testing. Allele origin: germline.
Comment: This sequence change replaces glutamic acid, which is acidic and polar, with glutamine, which is neutral and polar, at codon 806 of the GRIN2A protein (p.Glu806Gln). This variant is not present in population databases (gnomAD no frequency). This missense change has been observed in individual(s) with clinical features of GRIN2A-related conditions (Invitae). Advanced modeling of protein sequence and biophysical properties (such as structural, functional, and spatial information, amino acid conservation, physicochemical variation, residue mobility, and thermodynamic stability) performed at Invitae indicates that this missense variant is not expected to disrupt GRIN2A protein function with a negative predictive value of 95%. In summary, the available evidence is currently insufficient to determine the role of this variant in disease. Therefore, it has been classified as a Variant of Uncertain Significance.